The following is an entry in ClinVar:

ClinVar aggregate classification (germline): Pathogenic. Review status: criteria provided, multiple submitters, no conflicts (2 of 4 stars). 2 submissions from 2 submitters: Pathogenic (2). Last evaluated 2025-05-05.

Submissions (2):

GeneDx
Classification: Pathogenic. Last evaluated: 2025-05-05. Review status: criteria provided, single submitter. Criteria: GeneDx Variant Classification Process June 2021. Collection method: clinical testing. Allele origin: germline. Affected: yes.
Comment: Nonsense variant predicted to result in protein truncation, as the last 58 amino acids are lost, and other loss-of-function variants have been reported downstream in HGMD; Not observed at significant frequency in large population cohorts (gnomAD); This variant is associated with the following publications: (PMID: 39429086)

Labcorp Genetics (formerly Invitae), Labcorp
Classification: Pathogenic. Last evaluated: 2021-08-23. Review status: criteria provided, single submitter. Criteria: Invitae Variant Classification Sherloc (09022015). Collection method: clinical testing. Allele origin: germline.
Comment: For these reasons, this variant has been classified as Pathogenic. This variant disrupts a region of the ADGRG1 protein in which other variant(s) (p.Trp657*) have been determined to be pathogenic (PMID: 28097321). This suggests that this is a clinically significant region of the protein, and that variants that disrupt it are likely to be disease-causing. This variant has not been reported in the literature in individuals affected with ADGRG1-related conditions. This variant is not present in population databases (ExAC no frequency). This sequence change creates a premature translational stop signal (p.Gln636*) in the ADGRG1 gene. While this is not anticipated to result in nonsense mediated decay, it is expected to disrupt the last 58 amino acid(s) of the ADGRG1 protein.

Literature cited by the submitters: PubMed 28097321 (cited by Labcorp Genetics (formerly Invitae), Labcorp).

NM_201525.4(ADGRG1):c.1888C>T (p.Gln630Ter)

Gene: ADGRG1 (adhesion G protein-coupled receptor G1; plus strand). Cytogenetic location: 16q21.
Variant type: single nucleotide variant.
Coding change: c.1888C>T on transcript NM_201525.4 (MANE Select); coding-DNA position 1888, C replaced by T.
Protein change: p.Gln630Ter; replaces glutamine 630 with a stop codon.
Molecular consequence: nonsense.
Genome position (GRCh38, 1-based): chr16:57,661,920, C>T. VCF-style: chr16-57661920-C-T. GRCh37 (hg19) VCF-style: chr16-57695832-C-T.
Other names: c.1906C>T (NM_005682.5); c.1888C>T, p.Gln630Ter (NM_001145770.3, NM_001145772.3, NM_001145774.3 and 7 more transcripts); c.1906C>T, p.Gln636Ter (NM_001145771.3, NM_001370428.1, NM_001370429.1 and 4 more transcripts); c.1903C>T, p.Gln635Ter (NM_001145773.3, NM_001370433.1, NM_001370434.1); c.1396C>T, p.Gln466Ter (NM_001290142.2); c.1381C>T, p.Gln461Ter (NM_001290143.2); c.1363C>T, p.Gln455Ter (NM_001290144.2, NM_001370451.1, NM_001370453.1 and 1 more transcripts); c.1885C>T, p.Gln629Ter (NM_001370441.1); and 1 more; short protein forms Q578*, Q636*, Q466*, Q629*, Q630*, Q635*, Q455*, Q461*.
Identifiers: ClinVar variation 1456486 (VCV001456486.7), dbSNP rs2148609284, ClinGen allele CA396054164.